The following is an entry in ClinVar:

NM_001003699.4(RREB1):c.2392G>A (p.Ala798Thr)

Gene: RREB1 (ras responsive element binding protein 1; plus strand). Cytogenetic location: 6p24.3.
Variant type: single nucleotide variant.
Coding change: c.2392G>A on transcript NM_001003699.4 (MANE Select); coding-DNA position 2392, G replaced by A.
Protein change: p.Ala798Thr; replaces alanine 798 with threonine.
Molecular consequence: missense variant.
Genome position (GRCh38, 1-based): chr6:7,230,491, G>A. VCF-style: chr6-7230491-G-A. GRCh37 (hg19) VCF-style: chr6-7230724-G-A.
Other names: c.2392G>A, p.Ala798Thr (NM_001003698.4, NM_001003700.2, NM_001168344.2); short protein forms A798T.
Identifiers: ClinVar variation 2656202 (VCV002656202.24), dbSNP rs200741587, ClinGen allele CA3625801.

ClinVar aggregate classification (germline): Likely benign (1 of 4 stars; one submission).

Allele frequency attached by ClinVar (database versions not stated): gnomAD 0.00032; ExAC 0.00034; TOPMed 0.00045; ESP Exome Variant Server 0.00049; gnomAD exomes 0.00110.
gnomAD v4.1: 1,597 of 1,593,504 alleles (0.1%); highest among the groups gnomAD compares: Non-Finnish European, 0.13%; 1 homozygote.

Submission:

CeGaT Center for Human Genetics Tuebingen
Classification: Likely benign. Last evaluated: 2023-05-01. Review status: criteria provided, single submitter. Criteria: CeGaT Center For Human Genetics Tuebingen Variant Classification Criteria Version 2. Collection method: clinical testing. Allele origin: germline. Affected: yes. Observed: 1 variant allele.
Comment: RREB1: BP4